The following is an entry in ClinVar:

NM_004614.5(TK2):c.619-53A>G

Gene: TK2 (thymidine kinase 2; minus strand). Cytogenetic location: 16q21.
Variant type: single nucleotide variant.
Coding change: c.619-53A>G on transcript NM_004614.5 (MANE Select); 53 bases into the intron before coding-DNA position 619, A replaced by G.
Molecular consequence: intron variant.
Genome position (GRCh38, 1-based): chr16:66,513,864, T>C on the plus strand (A>G on the coding strand, the complement: TK2 is on the minus strand). VCF-style: chr16-66513864-T-C. GRCh37 (hg19) VCF-style: chr16-66547767-T-C.
Other names: c.357-53A>G (NM_001271935.1); c.526-53A>G (NM_001172643.1); c.544-53A>G (NM_001172644.2); c.565-53A>G (NM_001172645.2); c.472-53A>G (NM_001271934.2); c.328-53A>G (NM_001272050.2).
Identifiers: ClinVar variation 673678 (VCV000673678.7), dbSNP rs2241619, ClinGen allele CA8093607.

ClinVar aggregate classification (germline): Benign. Review status: criteria provided, multiple submitters, no conflicts (2 of 4 stars). 5 submissions from 4 submitters: Benign (5). Last evaluated 2025-11-24.

Conditions:
Progressive external ophthalmoplegia with mitochondrial DNA deletions, autosomal recessive 3 (PEOB3). Also called: PROGRESSIVE EXTERNAL OPHTHALMOPLEGIA, AUTOSOMAL RECESSIVE 3. Identifiers: Orphanet 254886, MedGen C4310734, MONDO:0014898, OMIM 617069.
Mitochondrial disease. Also called: Mitochondrial disorder; Mitochondrial disorders. Identifiers: Orphanet 68380, MedGen C0751651, MeSH D028361, MONDO:0044970.
Mitochondrial DNA depletion syndrome, myopathic form (MTDPS2). Also called: MITOCHONDRIAL DNA DEPLETION SYNDROME 2 (MYOPATHIC TYPE); MITOCHONDRIAL DNA DEPLETION MYOPATHY, TK2-RELATED; TK2-Related Mitochondrial DNA Maintenance Defect, Myopathic Form. Identifiers: Orphanet 254875, MedGen C3149750, MONDO:0012301, OMIM 609560.

Allele frequency attached by ClinVar (database versions not stated): gnomAD 0.13547 and 0.13536; 1000 Genomes Project 30x 0.18926; gnomAD exomes 0.05945 and 0.09762; ESP Exome Variant Server 0.12177; ExAC 0.12963; TOPMed 0.14401; 1000 Genomes Project 0.19010.
gnomAD v4.1: 102,620 of 1,520,636 alleles (6.7%); highest among the groups gnomAD compares: African/African-American, 33%; 7,878 homozygotes.

Submissions (5):

Genomenon, Inc
Classification: Benign for Mitochondrial disease. Last evaluated: 2025-11-24. Review status: criteria provided, single submitter. Criteria: Genomenon Sequence Variant Interpretation Standards - Updated. Collection method: curation. Allele origin: germline. Affected: no.
Comment: TK2 c.619-53A>G is a deeply intronic variant located in intron 8. This variant is present at a high allele frequency in population databases. In conclusion, we classify TK2 c.619-53A>G as a benign variant.

Genome-Nilou Lab
Classification: Benign for Progressive external ophthalmoplegia with mitochondrial DNA deletions, autosomal recessive 3. Last evaluated: 2021-09-10. Review status: criteria provided, single submitter. Criteria: ACMG Guidelines, 2015. Collection method: clinical testing. Allele origin: germline. Affected: no.

Genome-Nilou Lab
Classification: Benign for Mitochondrial DNA depletion syndrome, myopathic form. Last evaluated: 2021-09-10. Review status: criteria provided, single submitter. Criteria: ACMG Guidelines, 2015. Collection method: clinical testing. Allele origin: germline. Affected: no.

GeneDx
Classification: Benign. Last evaluated: 2018-06-14. Review status: criteria provided, single submitter. Criteria: GeneDx Variant Classification (06012015). Collection method: clinical testing. Allele origin: germline. Affected: yes.
Comment: This variant is considered likely benign or benign based on one or more of the following criteria: it is a conservative change, it occurs at a poorly conserved position in the protein, it is predicted to be benign by multiple in silico algorithms, and/or has population frequency not consistent with disease.

Breakthrough Genomics
Classification: Benign. Review status: criteria provided, single submitter. Criteria: ACMG Guidelines, 2015. Collection method: not provided. Allele origin: germline. Inheritance: Autosomal recessive inheritance. Affected: yes.